The following is an entry in ClinVar:

ClinVar aggregate classification (germline): Uncertain significance (1 of 4 stars; one submission).

Submission:

GeneDx
Classification: Uncertain significance. Last evaluated: 2025-07-28. Review status: criteria provided, single submitter. Criteria: GeneDx Variant Classification Process June 2021. Collection method: clinical testing. Allele origin: germline. Affected: yes.
Comment: In-frame deletion of 4 amino acid(s) in a non-repeat region; In silico analysis suggests that this variant does not alter protein structure/function; Has not been previously published as pathogenic or benign to our knowledge

NM_001031679.3(MSRB3):c.-102_-91del

Gene: MSRB3 (methionine sulfoxide reductase B3; plus strand). Cytogenetic location: 12q14.3.
Variant type: Deletion.
Coding change: c.-102_-91del on transcript NM_001031679.3 (MANE Select); 102 bases upstream of the start codon through 91 bases upstream of the start codon, 12 bases deleted (CCCTCTGCCTCT).
Molecular consequence: 5 prime UTR variant. On other transcripts: inframe deletion (1).
Genome position (GRCh38, 1-based): chr12:65,278,815-65,278,826, CCCTCTGCCTCT deleted; deleting any 12 consecutive bases within chr12:65,278,805-65,278,826 gives the same sequence; the c. name uses the placement nearest the transcript's 3' end. VCF-style (leftmost placement, unchanged base first): chr12-65278804-GCTCTGCCTCTCC-G. GRCh37 (hg19) VCF-style: chr12-65672584-GCTCTGCCTCTCC-G.
Other names: c.-266_-255del (NM_001193460.2); c.47_58del, p.12SLCL[1] (NM_198080.4).
Identifiers: ClinVar variation 4689972 (VCV004689972.1).
Genomic context (GRCh38, chr12:65,278,804, plus strand): 5'-CCGGCGGCGGCTGCCTGGCCTTTCCATGAGCCCGCGGCGGACCCTCCCGCGCCCCCTCTC[GCTCTGCCTCTCC>G]CTCTGCCTCTGCCTCTGCCTGGCCGCGGCTCTGGGAAGTGCGCAGTCCGGTAAGTTCGGG-3'